The following is an entry in ClinVar:

NM_000238.4(KCNH2):c.1965C>G (p.Ile655Met)

Gene: KCNH2 (potassium voltage-gated channel subfamily H member 2; minus strand). Cytogenetic location: 7q36.1.
Variant type: single nucleotide variant.
Coding change: c.1965C>G on transcript NM_000238.4 (MANE Select); coding-DNA position 1965, C replaced by G.
Protein change: p.Ile655Met; replaces isoleucine 655 with methionine.
Molecular consequence: missense variant.
Genome position (GRCh38, 1-based): chr7:150,951,101, G>C on the plus strand (C>G on the coding strand, the complement: KCNH2 is on the minus strand). VCF-style: chr7-150951101-G-C. GRCh37 (hg19) VCF-style: chr7-150648189-G-C.
Other names: c.945C>G, p.Ile315Met (NM_001204798.2, NM_172057.3); c.1677C>G, p.Ile559Met (NM_001406753.1, NM_001406756.1); c.1788C>G, p.Ile596Met (NM_001406755.1); c.1665C>G, p.Ile555Met (NM_001406757.1); c.1965C>G, p.Ile655Met (NM_172056.3); short protein forms I655M, I315M, I555M, I559M, I596M.
Identifiers: ClinVar variation 1374952 (VCV001374952.11), dbSNP rs774672362, ClinGen allele CA369857748.
Genomic context (GRCh38, chr7:150,951,101, plus strand): 5'-TGTGTGGTAGCGGGCTGTGCCCGAGTACAGCCGCTGGATGATGGCCGACACGTTGCCGAA[G>C]ATGCTAGCATACATGAGGGCTGGGGGCGTGGGCACGTGGGGCCGTCAGCCTCTGCAGGGA-3'
Protein context (NP_000229.1, residues 645-665): MLIGSLMYAS[Ile655Met]FGNVSAIIQR

ClinVar aggregate classification (germline): Uncertain significance. Review status: criteria provided, multiple submitters, no conflicts (2 of 4 stars). 2 submissions from 2 submitters: Uncertain significance (2). Last evaluated 2021-02-22.

Conditions:
Cardiovascular phenotype. Identifiers: MedGen CN230736.
Long QT syndrome (LQTS). Identifiers: MedGen C0023976, MeSH D008133, MONDO:0002442. Disease mechanism: loss of function. Inheritance: Various modes of inheritance.

Submissions (2):

Labcorp Genetics (formerly Invitae), Labcorp
Classification: Uncertain significance for Long QT syndrome. Last evaluated: 2021-02-22. Review status: criteria provided, single submitter. Criteria: Invitae Variant Classification Sherloc (09022015). Collection method: clinical testing. Allele origin: germline.
Comment: In summary, the available evidence is currently insufficient to determine the role of this variant in disease. Therefore, it has been classified as a Variant of Uncertain Significance. Algorithms developed to predict the effect of missense changes on protein structure and function are either unavailable or do not agree on the potential impact of this missense change (SIFT: "Deleterious"; PolyPhen-2: "Probably Damaging"; Align-GVGD: "Class C0"). This variant has not been reported in the literature in individuals with KCNH2-related conditions. This variant is not present in population databases (ExAC no frequency). This sequence change replaces isoleucine with methionine at codon 655 of the KCNH2 protein (p.Ile655Met). The isoleucine residue is highly conserved and there is a small physicochemical difference between isoleucine and methionine.

Ambry Genetics
Classification: Uncertain significance for Cardiovascular phenotype. Last evaluated: 2019-05-08. Review status: criteria provided, single submitter. Criteria: Ambry Variant Classification Scheme 2023. Collection method: clinical testing. Allele origin: germline.
Comment: The p.I655M variant (also known as c.1965C>G), located in coding exon 8 of the KCNH2 gene, results from a C to G substitution at nucleotide position 1965. The isoleucine at codon 655 is replaced by methionine, an amino acid with highly similar properties. This amino acid position is highly conserved in available vertebrate species. In addition, this alteration is predicted to be deleterious by in silico analysis. Since supporting evidence is limited at this time, the clinical significance of this alteration remains unclear.